The following is an entry in ClinVar:

ClinVar aggregate classification (germline): Uncertain significance (1 of 4 stars; one submission).

Conditions:
Autosomal dominant limb-girdle muscular dystrophy type 1D (DNAJB6) (LGMDD1). Also called: MUSCULAR DYSTROPHY, LIMB-GIRDLE, TYPE 1D; MUSCULAR DYSTROPHY, AUTOSOMAL DOMINANT, WITH RIMMED VACUOLES; Autosomal dominant limb-girdle muscular dystrophy type 1D; Muscular dystrophy, limb-girdle, autosomal dominant 1. Identifiers: Orphanet 34516, MedGen C4721885, MONDO:0021018, OMIM 603511.

Allele frequency attached by ClinVar (database versions not stated): gnomAD exomes below 0.00001.
gnomAD v4.1: 1 of 1,603,686 alleles (0.000062%); highest among the groups gnomAD compares: Non-Finnish European, 0.000085%; no homozygotes.

Submission:

Labcorp Genetics (formerly Invitae), Labcorp
Classification: Uncertain significance for Autosomal dominant limb-girdle muscular dystrophy type 1D (DNAJB6). Last evaluated: 2022-07-05. Review status: criteria provided, single submitter. Criteria: Invitae Variant Classification Sherloc (09022015). Collection method: clinical testing. Allele origin: germline.
Comment: In summary, the available evidence is currently insufficient to determine the role of this variant in disease. Therefore, it has been classified as a Variant of Uncertain Significance. Algorithms developed to predict the effect of missense changes on protein structure and function (SIFT, PolyPhen-2, Align-GVGD) all suggest that this variant is likely to be disruptive. ClinVar contains an entry for this variant (Variation ID: 1501373). This variant has not been reported in the literature in individuals affected with DNAJB6-related conditions. This variant is not present in population databases (gnomAD no frequency). This sequence change replaces aspartic acid, which is acidic and polar, with glycine, which is neutral and non-polar, at codon 58 of the DNAJB6 protein (p.Asp58Gly).

NM_058246.4(DNAJB6):c.173A>G (p.Asp58Gly)

Gene: DNAJB6 (DnaJ heat shock protein family (Hsp40) member B6; plus strand). Cytogenetic location: 7q36.3.
Variant type: single nucleotide variant.
Coding change: c.173A>G on transcript NM_058246.4 (MANE Select); coding-DNA position 173, A replaced by G.
Protein change: p.Asp58Gly; replaces aspartic acid 58 with glycine.
Molecular consequence: missense variant.
Genome position (GRCh38, 1-based): chr7:157,363,268, A>G. VCF-style: chr7-157363268-A-G. GRCh37 (hg19) VCF-style: chr7-157155962-A-G.
Other names: c.173A>G, p.Asp58Gly (NM_001363676.1, NM_005494.3); short protein forms D58G.
Identifiers: ClinVar variation 1501373 (VCV001501373.8), dbSNP rs2116974323, ClinGen allele CA370165862.